The following is an entry in ClinVar:

ClinVar aggregate classification (germline): Uncertain significance (1 of 4 stars; one submission).

Conditions:
COG1 congenital disorder of glycosylation (CDG2G). Also called: CONGENITAL DISORDER OF GLYCOSYLATION, TYPE IIg; CDG IIg; CDGII/COG1 CEREBROCOSTOMANDIBULAR-LIKE SYNDROME. Identifiers: Orphanet 263508, MedGen C2931011, MONDO:0012637, OMIM 611209.

gnomAD v4.1: 1 of 1,614,204 alleles (0.000062%); highest among the groups gnomAD compares: Non-Finnish European, 0.000085%; no homozygotes.

Submission:

Baylor Genetics
Classification: Uncertain significance for COG1 congenital disorder of glycosylation. Last evaluated: 2018-11-02. Review status: criteria provided, single submitter. Criteria: ACMG Guidelines, 2015. Collection method: clinical testing. Allele origin: unknown. Affected: yes.
Comment: This variant was determined to be of uncertain significance according to ACMG Guidelines, 2015 [PMID:25741868].

NM_018714.3(COG1):c.1343C>T (p.Ala448Val)

Gene: COG1 (component of oligomeric golgi complex 1; plus strand). Cytogenetic location: 17q25.1.
Variant type: single nucleotide variant.
Coding change: c.1343C>T on transcript NM_018714.3 (MANE Select); coding-DNA position 1343, C replaced by T.
Protein change: p.Ala448Val; replaces alanine 448 with valine.
Molecular consequence: missense variant.
Genome position (GRCh38, 1-based): chr17:73,201,170, C>T. VCF-style: chr17-73201170-C-T. GRCh37 (hg19) VCF-style: chr17-71197309-C-T.
Other names: short protein forms A448V.
Identifiers: ClinVar variation 1033905 (VCV001033905.1), dbSNP rs1372546537, ClinGen allele CA400890923.
Genomic context (GRCh38, chr17:73,201,170, plus strand): 5'-CTCTGACAAAAGAAGGCTTTGACTCCATCTCCAGTAGCTCCAAGGAGCTCTTGGTTTCAG[C>T]TTTGCAGGAACTTGAAAGCAGCACCAGCAACTCCCCTTCAAATAAGCACATCCACTTTGA-3'
Protein context (NP_061184.1, residues 438-458): SSSSKELLVS[Ala448Val]LQELESSTSN